The following is an entry in ClinVar:

NM_003119.4(SPG7):c.861+1G>C

Gene: SPG7 (SPG7 matrix AAA peptidase subunit, paraplegin; plus strand). Cytogenetic location: 16q24.3.
Variant type: single nucleotide variant.
Coding change: c.861+1G>C on transcript NM_003119.4 (MANE Select); the canonical splice donor site of the intron after coding-DNA position 861, G replaced by C.
Molecular consequence: splice donor variant.
Genome position (GRCh38, 1-based): chr16:89,529,580, G>C. VCF-style: chr16-89529580-G-C. GRCh37 (hg19) VCF-style: chr16-89595988-G-C.
Other names: c.861+1G>C (NM_001363850.1, NM_199367.3).
Identifiers: ClinVar variation 623233 (VCV000623233.9), dbSNP rs1412575396, ClinGen allele CA397418836.
Genomic context (GRCh38, chr16:89,529,580, plus strand): 5'-CTGTGGTATGTTTTCCGTCTGGCCGGGATGACTGGAAGGGAAGGTGGATTCAGTGCTTTT[G>C]TAAGTTCTGTAAATCAGAGCTCTCTGAACTCTTTCTGGTTTGTGTTTGCTGAATACTTTT-3'

ClinVar aggregate classification (germline): Pathogenic/Likely pathogenic. Review status: criteria provided, multiple submitters, no conflicts (2 of 4 stars). 5 submissions from 5 submitters: Pathogenic (4); Likely pathogenic (1). Last evaluated 2025-01-29.

Conditions:
Hereditary spastic paraplegia 7 (SPG7). Also called: SPG7-related neurologic disorder; SPASTIC PARAPLEGIA 7, AUTOSOMAL RECESSIVE, WITH OR WITHOUT CEREBELLAR ATAXIA; Spastic paraplegia 7; Hereditary spastic paraplegia Paraplegin type; Autosomal recessive spastic paraplegia type 7. Identifiers: Orphanet 99013, MedGen C1846564, MONDO:0011803, OMIM 607259.

Allele frequency attached by ClinVar (database versions not stated): gnomAD 0.00001; gnomAD exomes 0.00001; TOPMed 0.00001.
gnomAD v4.1: 9 of 1,600,220 alleles (0.00056%); highest among the groups gnomAD compares: Non-Finnish European, 0.00077%; no homozygotes.

Submissions (5):

GeneDx
Classification: Pathogenic. Last evaluated: 2025-01-29. Review status: criteria provided, single submitter. Criteria: GeneDx Variant Classification Process June 2021. Collection method: clinical testing. Allele origin: germline. Affected: yes.
Comment: Canonical splice site variant predicted to result in a null allele in a gene for which loss of function is a known mechanism of disease; Not observed at significant frequency in large population cohorts (gnomAD); Has not been previously published as pathogenic or benign to our knowledge; This variant is associated with the following publications: (PMID: 31433872, 21623769, 22964162, 16199547)

Mayo Clinic Laboratories, Mayo Clinic
Classification: Pathogenic. Last evaluated: 2024-07-10. Review status: criteria provided, single submitter. Criteria: ACMG Guidelines, 2015. Collection method: clinical testing. Allele origin: germline. Observed: 1 variant allele.
Comment: PM2, PS1_supporting, PVS1

Labcorp Genetics (formerly Invitae), Labcorp
Classification: Pathogenic for Hereditary spastic paraplegia 7. Last evaluated: 2024-04-27. Review status: criteria provided, single submitter. Criteria: Invitae Variant Classification Sherloc (09022015). Collection method: clinical testing. Allele origin: germline.
Comment: This sequence change affects a donor splice site in intron 6 of the SPG7 gene. It is expected to disrupt RNA splicing. Variants that disrupt the donor or acceptor splice site typically lead to a loss of protein function (PMID: 16199547), and loss-of-function variants in SPG7 are known to be pathogenic (PMID: 21623769, 22964162). This variant is present in population databases (no rsID available, gnomAD 0.002%). Disruption of this splice site has been observed in individuals with autosomal recessive hereditary spastic paraplegia (PMID: 31433872; Invitae). ClinVar contains an entry for this variant (Variation ID: 623233). Algorithms developed to predict the effect of sequence changes on RNA splicing suggest that this variant may disrupt the consensus splice site. For these reasons, this variant has been classified as Pathogenic.

PROSPAX: an integrated multimodal progression  chart in spastic ataxias, Center for Neurology; Hertie-Institute for Clinical Brain Research
Classification: Pathogenic for Hereditary spastic paraplegia 7. Last evaluated: 2022-01-01. Review status: criteria provided, single submitter. Criteria: ACMG Guidelines, 2015. Collection method: research. Allele origin: germline. Affected: yes. Observed: 1 variant allele, 1 compound heterozygote.

Molecular Diagnostics Laboratory, M Health Fairview: University of Minnesota
Classification: Likely pathogenic for Hereditary spastic paraplegia 7. Last evaluated: 2017-06-22. Review status: criteria provided, single submitter. Criteria: ACMG Guidelines, 2015. Collection method: clinical testing. Allele origin: germline. Affected: yes. Observed: 1 variant allele.

Literature cited by the submitters: PubMed 16199547 (cited by Labcorp Genetics (formerly Invitae), Labcorp); PubMed 21623769 (cited by Labcorp Genetics (formerly Invitae), Labcorp); PubMed 22964162 (cited by Labcorp Genetics (formerly Invitae), Labcorp); PubMed 31433872 (cited by Labcorp Genetics (formerly Invitae), Labcorp).